The following is an entry in ClinVar:

NM_000443.4(ABCB4):c.1232T>A (p.Ile411Asn)

Gene: ABCB4 (ATP binding cassette subfamily B member 4; minus strand). Cytogenetic location: 7q21.12.
Variant type: single nucleotide variant.
Coding change: c.1232T>A on transcript NM_000443.4 (MANE Select); coding-DNA position 1232, T replaced by A.
Protein change: p.Ile411Asn; replaces isoleucine 411 with asparagine.
Molecular consequence: missense variant.
Genome position (GRCh38, 1-based): chr7:87,443,443, A>T on the plus strand (T>A on the coding strand, the complement: ABCB4 is on the minus strand). VCF-style: chr7-87443443-A-T. GRCh37 (hg19) VCF-style: chr7-87072759-A-T.
Other names: c.1232T>A, p.Ile411Asn (NM_018849.3, NM_018850.3); short protein forms I411N.
Identifiers: ClinVar variation 4983670 (VCV004983670.1).
Genomic context (GRCh38, chr7:87,443,443, plus strand): 5'-CTACTTCCAACCAGGGCCACCGTCTGCCCACTCTGCACCTTCAGGTTGAGGCCCTTCAAG[A>T]TCTGTAAGGAAAATGAGAAAAAAGAACACACTTCACAACAAAGCCCTAAAATGGGAATAA-3'
Protein context (NP_000434.1, residues 401-421): FSYPSRANVK[Ile411Asn]LKGLNLKVQS

ClinVar aggregate classification (germline): Uncertain significance (1 of 4 stars; one submission).

Conditions:
ABCB4-related disorder. Also called: ABCB4-related disorders; ABCB4-related condition.

Submission:

PreventionGenetics, part of Exact Sciences
Classification: Uncertain significance for ABCB4-related condition. Last evaluated: 2026-09-17. Review status: criteria provided, single submitter. Criteria: ACMG Guidelines, 2015. Collection method: clinical testing. Allele origin: germline.
Comment: The ABCB4 c.1232T>A variant is predicted to result in the amino acid substitution p.Ile411Asn. To our knowledge, this variant has not been reported in the literature or in a large population database (gnomAD), indicating this variant is rare. At this time, the clinical significance of this variant is uncertain due to the absence of conclusive functional and genetic evidence.